The following is an entry in ClinVar:

NM_022166.4(XYLT1):c.2690C>T (p.Ser897Phe)

Gene: XYLT1 (xylosyltransferase 1; minus strand). Cytogenetic location: 16p12.3.
Variant type: single nucleotide variant.
Coding change: c.2690C>T on transcript NM_022166.4 (MANE Select); coding-DNA position 2690, C replaced by T.
Protein change: p.Ser897Phe; replaces serine 897 with phenylalanine.
Molecular consequence: missense variant.
Genome position (GRCh38, 1-based): chr16:17,108,885, G>A on the plus strand (C>T on the coding strand, the complement: XYLT1 is on the minus strand). VCF-style: chr16-17108885-G-A. GRCh37 (hg19) VCF-style: chr16-17202742-G-A.
Other names: short protein forms S897F.
Identifiers: ClinVar variation 1490417 (VCV001490417.8), dbSNP rs776112557, ClinGen allele CA7927503.

ClinVar aggregate classification (germline): Uncertain significance (1 of 4 stars; one submission).

Conditions:
Desbuquois dysplasia 1 (DBQD1). Also called: DESBUQUOIS DYSPLASIA 1, KIM VARIANT; MICROMELIC DWARFISM WITH VERTEBRAL AND METAPHYSEAL ABNORMALITIES AND ADVANCED CARPOTARSAL OSSIFICATION. Identifiers: Orphanet 1425, MedGen C4012146, MONDO:0009629, OMIM 251450.

Allele frequency attached by ClinVar (database versions not stated): gnomAD exomes 0.00001 and 0.00002; TOPMed 0.00002; ExAC 0.00003.
gnomAD v4.1: 9 of 1,611,760 alleles (0.00056%); highest among the groups gnomAD compares: East Asian, 0.013%; no homozygotes.

Submission:

Labcorp Genetics (formerly Invitae), Labcorp
Classification: Uncertain significance for Desbuquois dysplasia 1. Last evaluated: 2021-07-14. Review status: criteria provided, single submitter. Criteria: Invitae Variant Classification Sherloc (09022015). Collection method: clinical testing. Allele origin: germline.
Comment: This sequence change replaces serine with phenylalanine at codon 897 of the XYLT1 protein (p.Ser897Phe). The serine residue is weakly conserved and there is a large physicochemical difference between serine and phenylalanine. This variant is present in population databases (rs776112557, ExAC 0.05%). This variant has not been reported in the literature in individuals with XYLT1-related conditions. Algorithms developed to predict the effect of missense changes on protein structure and function output the following: SIFT: "Tolerated"; PolyPhen-2: "Benign"; Align-GVGD: "Class C0". The phenylalanine amino acid residue is found in multiple mammalian species, suggesting that this missense change does not adversely affect protein function. These predictions have not been confirmed by published functional studies and their clinical significance is uncertain. In summary, the available evidence is currently insufficient to determine the role of this variant in disease. Therefore, it has been classified as a Variant of Uncertain Significance.